The following is an entry in ClinVar:

ClinVar aggregate classification (germline): Benign/Likely benign. Review status: criteria provided, multiple submitters, no conflicts (2 of 4 stars). 6 submissions from 6 submitters: Benign (2); Likely benign (4). Last evaluated 2026-07-01.

Allele frequency attached by ClinVar (database versions not stated): 1000 Genomes Project 30x 0.00047; 1000 Genomes Project 0.00060; ESP Exome Variant Server 0.00154; TOPMed 0.00198; gnomAD exomes 0.00223 and 0.00282; gnomAD 0.00229 and 0.00230; ExAC 0.00248.
gnomAD v4.1: 4,359 of 1,591,046 alleles (0.27%); highest among the groups gnomAD compares: South Asian, 0.38%; 13 homozygotes.

Submissions (6):

CeGaT Center for Human Genetics Tuebingen
Classification: Likely benign. Last evaluated: 2026-07-01. Review status: criteria provided, single submitter. Criteria: CeGaT Center For Human Genetics Tuebingen Variant Classification Criteria Version 2. Collection method: clinical testing. Allele origin: germline. Affected: yes. Observed: 19 variant alleles.
Comment: SFXN4: BP4, BP7, BS2

Labcorp Genetics (formerly Invitae), Labcorp
Classification: Benign. Last evaluated: 2026-01-21. Review status: criteria provided, single submitter. Criteria: Invitae Variant Classification Sherloc (09022015). Collection method: clinical testing. Allele origin: germline.

Mayo Clinic Laboratories, Mayo Clinic
Classification: Benign. Last evaluated: 2025-05-09. Review status: criteria provided, single submitter. Criteria: ACMG Guidelines, 2015. Collection method: clinical testing. Allele origin: germline. Observed: 3 variant alleles.
Comment: BS1, BS2

Blueprint Genetics
Classification: Likely benign. Last evaluated: 2024-11-23. Review status: criteria provided, single submitter. Criteria: ACMG Guidelines, 2015. Collection method: clinical testing. Allele origin: germline.

GeneDx
Classification: Likely benign. Last evaluated: 2021-03-24. Review status: criteria provided, single submitter. Criteria: GeneDx Variant Classification Process June 2021. Collection method: clinical testing. Allele origin: germline. Affected: yes.

Breakthrough Genomics
Classification: Likely benign. Review status: criteria provided, single submitter. Criteria: ACMG Guidelines, 2015. Collection method: not provided. Allele origin: germline. Inheritance: Autosomal recessive inheritance. Affected: yes.

NM_213649.2(SFXN4):c.18G>A (p.Glu6=)

Genes: SFXN4 (sideroflexin 4; minus strand), LOC130004825 (ATAC-STARR-seq lymphoblastoid silent region 2869; plus strand). Cytogenetic location: 10q26.11.
Variant type: single nucleotide variant.
Coding change: c.18G>A on transcript NM_213649.2 (MANE Select); coding-DNA position 18, G replaced by A.
Protein change: p.Glu6=; no amino-acid change (glutamic acid 6 retained).
Molecular consequence: synonymous variant. On other transcripts: non-coding transcript variant (1).
Genome position (GRCh38, 1-based): chr10:119,165,630, C>T on the plus strand (G>A on the coding strand, the complement: SFXN4 is on the minus strand). VCF-style: chr10-119165630-C-T. GRCh37 (hg19) VCF-style: chr10-120925142-C-T.
Other names: p.Glu6=.
Identifiers: ClinVar variation 506546 (VCV000506546.38), dbSNP rs138503057, ClinGen allele CA5714743.